The following is an entry in ClinVar:

ClinVar aggregate classification (germline): Uncertain significance (1 of 4 stars; one submission).

gnomAD v4.1: 22 of 1,612,854 alleles (0.0014%); highest among the groups gnomAD compares: Non-Finnish European, 0.0017%; no homozygotes.

Submission:

CeGaT Center for Human Genetics Tuebingen
Classification: Uncertain significance. Last evaluated: 2025-06-01. Review status: criteria provided, single submitter. Criteria: CeGaT Center For Human Genetics Tuebingen Variant Classification Criteria Version 2. Collection method: clinical testing. Allele origin: germline. Affected: yes. Observed: 1 variant allele.
Comment: MCM3AP: PM2

NM_003906.5(MCM3AP):c.3574G>C (p.Glu1192Gln)

Gene: MCM3AP (minichromosome maintenance complex component 3 associated protein; minus strand). Cytogenetic location: 21q22.3.
Variant type: single nucleotide variant.
Coding change: c.3574G>C on transcript NM_003906.5 (MANE Select); coding-DNA position 3574, G replaced by C.
Protein change: p.Glu1192Gln; replaces glutamic acid 1192 with glutamine.
Molecular consequence: missense variant.
Genome position (GRCh38, 1-based): chr21:46,260,800, C>G on the plus strand (G>C on the coding strand, the complement: MCM3AP is on the minus strand). VCF-style: chr21-46260800-C-G. GRCh37 (hg19) VCF-style: chr21-47680714-C-G.
Other names: short protein forms E1192Q.
Identifiers: ClinVar variation 4085046 (VCV004085046.8).